The following is an entry in ClinVar:

ClinVar aggregate classification (germline): Uncertain significance. Review status: criteria provided, multiple submitters, no conflicts (2 of 4 stars). 2 submissions from 2 submitters: Uncertain significance (2). Last evaluated 2025-12-11.

Conditions:
Cardiovascular phenotype. Identifiers: MedGen CN230736.
Cardiomyopathy (CMYO). Also called: Cardiomyopathies. Identifiers: Orphanet 167848, MedGen C0878544, MONDO:0004994, HP:0001638. Inheritance: Various modes of inheritance.

Allele frequency attached by ClinVar (database versions not stated): gnomAD exomes 0.00001.
gnomAD v4.1: 3 of 1,614,204 alleles (0.00019%); highest among the groups gnomAD compares: Non-Finnish European, 0.00025%; no homozygotes.

Submissions (2):

Ambry Genetics
Classification: Uncertain significance for Cardiovascular phenotype. Last evaluated: 2025-12-11. Review status: criteria provided, single submitter. Criteria: Ambry Variant Classification Scheme 2023. Collection method: clinical testing. Allele origin: germline.
Comment: The p.E2003G variant (also known as c.6008A>G), located in coding exon 24 of the DSP gene, results from an A to G substitution at nucleotide position 6008. The glutamic acid at codon 2003 is replaced by glycine, an amino acid with similar properties. This amino acid position is conserved. In addition, the in silico prediction for this alteration is inconclusive. Based on the available evidence, the clinical significance of this variant remains unclear.

Color Diagnostics, LLC DBA Color Health
Classification: Uncertain significance for Cardiomyopathy. Last evaluated: 2023-12-05. Review status: criteria provided, single submitter. Criteria: ACMG Guidelines, 2015. Collection method: clinical testing. Allele origin: germline.
Comment: Variant of Uncertain Significance due to insufficient evidence: This missense variant replaces glutamic acid with glycine at codon 2003 of the DSP protein. Computational prediction tools and conservation analyses suggest that this variant may have deleterious impact on the protein function. Computational splicing tools suggest that this variant may not impact RNA splicing. To our knowledge, functional assays have not been performed for this variant nor has this variant been reported in individuals affected with cardiovascular disorders in the literature. This variant has not been identified in the general population by the Genome Aggregation Database (gnomAD). Available evidence is insufficient to determine the role of this variant in disease conclusively.

NM_004415.4(DSP):c.6008A>G (p.Glu2003Gly)

Gene: DSP (desmoplakin; plus strand). Cytogenetic location: 6p24.3.
Variant type: single nucleotide variant.
Coding change: c.6008A>G on transcript NM_004415.4 (MANE Select); coding-DNA position 6008, A replaced by G.
Protein change: p.Glu2003Gly; replaces glutamic acid 2003 with glycine.
Molecular consequence: missense variant.
Genome position (GRCh38, 1-based): chr6:7,583,270, A>G. VCF-style: chr6-7583270-A-G. GRCh37 (hg19) VCF-style: chr6-7583503-A-G.
Other names: c.4211A>G, p.Glu1404Gly (NM_001008844.3); c.4679A>G, p.Glu1560Gly (NM_001319034.2); short protein forms E2003G, E1404G, E1560G.
Identifiers: ClinVar variation 919187 (VCV000919187.6), dbSNP rs1457667981, ClinGen allele CA362689897.